The following is an entry in ClinVar:

ClinVar aggregate classification (germline): Uncertain significance. Review status: criteria provided, multiple submitters, no conflicts (2 of 4 stars). 2 submissions from 2 submitters: Uncertain significance (2). Last evaluated 2025-04-19.

Conditions:
Mitochondrial complex II deficiency, nuclear type 1. Also called: SUCCINATE CoQ REDUCTASE DEFICIENCY. Identifiers: Orphanet 3208, MedGen C5700310, MONDO:0100294, OMIM 252011.
Pheochromocytoma/paraganglioma syndrome 5. Also called: Paragangliomas 5; SDHA-Related Hereditary Paraganglioma-Pheochromocytoma Syndrome. Identifiers: Orphanet 29072, MedGen C3279992, MONDO:0013602, OMIM 614165.
Hereditary cancer-predisposing syndrome. Also called: Tumor predisposition; Hereditary Cancer Syndrome; Hereditary neoplastic syndrome; Neoplastic Syndromes, Hereditary. Identifiers: Orphanet 140162, MedGen C0027672, MeSH D009386, MONDO:0015356.

Submissions (2):

Ambry Genetics
Classification: Uncertain significance for Hereditary cancer-predisposing syndrome. Last evaluated: 2025-04-19. Review status: criteria provided, single submitter. Criteria: Ambry Variant Classification Scheme 2023. Collection method: clinical testing. Allele origin: germline.
Comment: The p.I139V variant (also known as c.415A>G), located in coding exon 4 of the SDHA gene, results from an A to G substitution at nucleotide position 415. The isoleucine at codon 139 is replaced by valine, an amino acid with highly similar properties. This amino acid position is highly conserved in available vertebrate species. In addition, this alteration is predicted to be tolerated by in silico analysis. Based on the available evidence, the clinical significance of this variant remains unclear.

Labcorp Genetics (formerly Invitae), Labcorp
Classification: Uncertain significance for Pheochromocytoma/paraganglioma syndrome 5; Mitochondrial complex II deficiency, nuclear type 1. Last evaluated: 2024-01-11. Review status: criteria provided, single submitter. Criteria: Invitae Variant Classification Sherloc (09022015). Collection method: clinical testing. Allele origin: germline.
Comment: This sequence change replaces isoleucine, which is neutral and non-polar, with valine, which is neutral and non-polar, at codon 139 of the SDHA protein (p.Ile139Val). This variant is not present in population databases (gnomAD no frequency). This variant has not been reported in the literature in individuals affected with SDHA-related conditions. ClinVar contains an entry for this variant (Variation ID: 1943138). Advanced modeling of protein sequence and biophysical properties (such as structural, functional, and spatial information, amino acid conservation, physicochemical variation, residue mobility, and thermodynamic stability) performed at Invitae indicates that this missense variant is not expected to disrupt SDHA protein function with a negative predictive value of 95%. In summary, the available evidence is currently insufficient to determine the role of this variant in disease. Therefore, it has been classified as a Variant of Uncertain Significance.

NM_004168.4(SDHA):c.415A>G (p.Ile139Val)

Gene: SDHA (succinate dehydrogenase complex flavoprotein subunit A; plus strand). Cytogenetic location: 5p15.33.
Variant type: single nucleotide variant.
Coding change: c.415A>G on transcript NM_004168.4 (MANE Select); coding-DNA position 415, A replaced by G.
Protein change: p.Ile139Val; replaces isoleucine 139 with valine.
Molecular consequence: missense variant. On other transcripts: intron variant (1).
Genome position (GRCh38, 1-based): chr5:225,521, A>G. VCF-style: chr5-225521-A-G. GRCh37 (hg19) VCF-style: chr5-225636-A-G.
Other names: c.415A>G, p.Ile139Val (NM_001330758.2); c.313-362A>G (NM_001294332.2); c.415A>G (NM_004168.2); short protein forms I139V.
Identifiers: ClinVar variation 1943138 (VCV001943138.6), dbSNP rs2477295325, ClinGen allele CA359009555.